The following is an entry in ClinVar:

NC_000015.9:g.(?_48703177)_(48830015_?)del

Gene: FBN1 (fibrillin 1; minus strand). Cytogenetic location: 15q21.1.
Variant type: Deletion.
Identifiers: ClinVar variation 1459319 (VCV001459319.6).

ClinVar aggregate classification (germline): Pathogenic (1 of 4 stars; one submission).

Conditions:
Marfan syndrome (MFS). Also called: MARFAN SYNDROME, TYPE I; Marfan syndrome type 1; Marfan's syndrome; Marfan syndrome, classic; FBN1-Related Marfan Syndrome. Identifiers: Orphanet 284963, Orphanet 558, MedGen C0024796, MONDO:0007947, OMIM 154700.
Familial thoracic aortic aneurysm and aortic dissection (TAAD). Also called: Thoracic aortic aneurysms and dissections. Identifiers: Orphanet 91387, MedGen C4707243, MONDO:0019625.

Submission:

Labcorp Genetics (formerly Invitae), Labcorp
Classification: Pathogenic for Marfan syndrome; Familial thoracic aortic aneurysm and aortic dissection. Last evaluated: 2020-11-24. Review status: criteria provided, single submitter. Criteria: Invitae Variant Classification Sherloc (09022015). Collection method: clinical testing. Allele origin: germline.
Comment: For these reasons, this variant has been classified as Pathogenic. This variant affects cysteine residues in the EGF-like, TGFBP or hybrid motif domains in FBN1. Cysteine residues are believed to be involved in intramolecular disulfide bridges and have been shown to be important for FBN1 protein structure (PMID: 16905551, 19349279). In addition, missense substitutions affecting cysteine residues within these domains are significantly overrepresented among patients with Marfan syndrome (PMID: 16571647, 17701892). This variant has not been reported in the literature in individuals with FBN1-related disease. This variant is a gross deletion of the genomic region encompassing exons 7-66 of the FBN1 gene. The 5' boundary is likely confined to intron 4. The 3' end of this event is unknown as it extends through the termination codon beyond the assayed region for this gene and may encompass additional genes. While this deletion is not anticipated to result in nonsense mediated decay, it is expected to create a truncated protein product or disrupt mRNA translation.

Literature cited by the submitters: PubMed 16905551; PubMed 19349279; PubMed 16571647; PubMed 17701892.